The following is an entry in ClinVar:

ClinVar aggregate classification (germline): Uncertain significance (1 of 4 stars; one submission).

Submission:

Labcorp Genetics (formerly Invitae), Labcorp
Classification: Uncertain significance. Last evaluated: 2024-12-17. Review status: criteria provided, single submitter. Criteria: Invitae Variant Classification Sherloc (09022015). Collection method: clinical testing. Allele origin: germline.
Comment: This sequence change replaces glycine, which is neutral and non-polar, with arginine, which is basic and polar, at codon 930 of the KANK1 protein (p.Gly930Arg). This variant is not present in population databases (gnomAD no frequency). This variant has not been reported in the literature in individuals affected with KANK1-related conditions. Invitae Evidence Modeling of protein sequence and biophysical properties (such as structural, functional, and spatial information, amino acid conservation, physicochemical variation, residue mobility, and thermodynamic stability) indicates that this missense variant is not expected to disrupt KANK1 protein function with a negative predictive value of 80%. In summary, the available evidence is currently insufficient to determine the role of this variant in disease. Therefore, it has been classified as a Variant of Uncertain Significance.

NM_015158.5(KANK1):c.2788G>C (p.Gly930Arg)

Gene: KANK1 (KN motif and ankyrin repeat domains 1; plus strand). Cytogenetic location: 9p24.3.
Variant type: single nucleotide variant.
Coding change: c.2788G>C on transcript NM_015158.5 (MANE Select); coding-DNA position 2788, G replaced by C.
Protein change: p.Gly930Arg; replaces glycine 930 with arginine.
Molecular consequence: missense variant. On other transcripts: non-coding transcript variant (1).
Genome position (GRCh38, 1-based): chr9:730,140, G>C. VCF-style: chr9-730140-G-C. GRCh37 (hg19) VCF-style: chr9-730140-G-C.
Other names: c.2788G>C, p.Gly930Arg (NM_001256876.3, NM_001256877.3, NM_001354331.2 and 2 more transcripts); c.2314G>C, p.Gly772Arg (NM_001354333.2, NM_153186.6, NM_001354335.2 and 9 more transcripts); short protein forms G772R, G930R.
Identifiers: ClinVar variation 3618617 (VCV003618617.2).